The following is an entry in ClinVar:

ClinVar aggregate classification (germline): Benign/Likely benign. Review status: criteria provided, multiple submitters, no conflicts (2 of 4 stars). 5 submissions from 5 submitters: Benign (2); Likely benign (3). Last evaluated 2026-06-02.

Conditions:
Gastrointestinal stromal tumor. Also called: Gastrointestinal stromal tumor, somatic; Gastrointestinal stroma tumor. Identifiers: Orphanet 44890, MedGen C0238198, MeSH D046152, MONDO:0011719, OMIM 606764, HP:0100723.
Piebaldism. Also called: Piebald skin depigmentation. Identifiers: Orphanet 2884, MedGen C0080024, MONDO:0008244, OMIM 172800, HP:0007544.
Cutaneous mastocytosis. Also called: MASTOCYTOSIS, MACULOPAPULAR CUTANEOUS. Identifiers: Orphanet 66646, MedGen C1136033, MONDO:0019023, OMIM 154800, HP:0200151.
Acute myeloid leukemia (AML). Also called: Leukemia, acute myeloid, somatic; Leukemia, acute myelogenous, somatic; Acute myeloid leukemia, adult; AML adult; Acute non-lymphocytic leukemia; Acute granulocytic leukemia. Identifiers: Orphanet 519, MedGen C0023467, MeSH D015470, MONDO:0018874, OMIM 601626, HP:0004808. Disease mechanism: Constitutively activated FLT3.
Germ cell tumor of testis (TGCT). Also called: Testicular germ cell tumor; GERM CELL TUMOR, SOMATIC. Identifiers: Orphanet 363504, MedGen C1336708, MONDO:0010108, OMIM 273300.
Hereditary cancer-predisposing syndrome. Also called: Neoplastic Syndromes, Hereditary; Hereditary neoplastic syndrome; Hereditary Cancer Syndrome; Tumor predisposition. Identifiers: Orphanet 140162, MedGen C0027672, MeSH D009386, MONDO:0015356.

Allele frequency attached by ClinVar (database versions not stated): gnomAD 0.00001; gnomAD exomes 0.00003 and 0.00005; TOPMed 0.00003; ExAC 0.00007.
gnomAD v4.1: 45 of 1,614,016 alleles (0.0028%); highest among the groups gnomAD compares: Middle Eastern, 0.016%; no homozygotes.

Submissions (5):

Myriad Genetics, Inc.
Classification: Benign for Gastrointestinal stromal tumor. Last evaluated: 2026-06-02. Review status: criteria provided, single submitter. Criteria: Myriad Autosomal Dominant, Autosomal Recessive and X-Linked Classification Criteria (2023). Collection method: clinical testing. Allele origin: unknown.
Comment: This variant is considered benign. This variant is a silent/synonymous amino acid change and it is not expected to impact splicing.

Labcorp Genetics (formerly Invitae), Labcorp
Classification: Likely benign for Gastrointestinal stromal tumor. Last evaluated: 2026-01-20. Review status: criteria provided, single submitter. Criteria: Invitae Variant Classification Sherloc (09022015). Collection method: clinical testing. Allele origin: germline.

KCCC/NGS Laboratory, Kuwait Cancer Control Center
Classification: Benign for Gastrointestinal stromal tumor. Last evaluated: 2025-02-01. Review status: criteria provided, single submitter. Criteria: ACMG Guidelines, 2015. Collection method: clinical testing. Allele origin: germline. Affected: no.

Ambry Genetics
Classification: Likely benign for Hereditary cancer-predisposing syndrome. Last evaluated: 2022-03-29. Review status: criteria provided, single submitter. Criteria: Ambry Variant Classification Scheme 2023. Collection method: clinical testing. Allele origin: germline.

Fulgent Genetics
Classification: Likely benign for Cutaneous mastocytosis; Piebaldism; Germ cell tumor of testis; Acute myeloid leukemia; Gastrointestinal stromal tumor. Last evaluated: 2022-02-08. Review status: criteria provided, single submitter. Criteria: ACMG Guidelines, 2015. Collection method: clinical testing. Allele origin: unknown.

NM_000222.3(KIT):c.531C>T (p.Arg177=)

Gene: KIT (KIT proto-oncogene, receptor tyrosine kinase; plus strand). Cytogenetic location: 4q12.
Variant type: single nucleotide variant.
Coding change: c.531C>T on transcript NM_000222.3 (MANE Select); coding-DNA position 531, C replaced by T.
Protein change: p.Arg177=; no amino-acid change (arginine 177 retained).
Molecular consequence: synonymous variant.
Genome position (GRCh38, 1-based): chr4:54,698,477, C>T. VCF-style: chr4-54698477-C-T. GRCh37 (hg19) VCF-style: chr4-55564643-C-T.
Other names: c.531C>T, p.Arg177= (NM_001093772.2, NM_001385284.1, NM_001385285.1 and 4 more transcripts).
Identifiers: ClinVar variation 415788 (VCV000415788.17), dbSNP rs756722358, ClinGen allele CA2923260.